The following is an entry in ClinVar:

NM_139072.4(DNER):c.1443G>A (p.Thr481=)

Gene: DNER (delta/notch like EGF repeat containing; minus strand). Cytogenetic location: 2q36.3.
Variant type: single nucleotide variant.
Coding change: c.1443G>A on transcript NM_139072.4 (MANE Select); coding-DNA position 1443, G replaced by A.
Protein change: p.Thr481=; no amino-acid change (threonine 481 retained).
Molecular consequence: synonymous variant.
Genome position (GRCh38, 1-based): chr2:229,447,359, C>T on the plus strand (G>A on the coding strand, the complement: DNER is on the minus strand). VCF-style: chr2-229447359-C-T. GRCh37 (hg19) VCF-style: chr2-230312075-C-T.
Identifiers: ClinVar variation 2651970 (VCV002651970.24), dbSNP rs144811178, ClinGen allele CA2151767.

ClinVar aggregate classification (germline): Likely benign (1 of 4 stars; one submission).

Allele frequency attached by ClinVar (database versions not stated): ExAC 0.00002; ESP Exome Variant Server 0.00015.
gnomAD v4.1: 38 of 1,611,432 alleles (0.0024%); highest among the groups gnomAD compares: Non-Finnish European, 0.0029%; no homozygotes.

Submission:

CeGaT Center for Human Genetics Tuebingen
Classification: Likely benign. Last evaluated: 2022-09-01. Review status: criteria provided, single submitter. Criteria: CeGaT Center For Human Genetics Tuebingen Variant Classification Criteria Version 2. Collection method: clinical testing. Allele origin: germline. Affected: yes. Observed: 1 variant allele.
Comment: DNER: BP4, BP7